The following is an entry in ClinVar:

ClinVar aggregate classification (germline): Pathogenic (1 of 4 stars; one submission).

Conditions:
Branchiootorenal syndrome 1. Also called: Branchio-Oto-Renal Syndrome 1. Identifiers: Orphanet 107, MedGen C4551702, MONDO:0007236, OMIM 113650.

Submission:

Department of Otorhinolaryngology - Head and Neck Surgery, Tianjin First Central Hospital
Classification: Pathogenic for Branchiootorenal syndrome 1. Review status: criteria provided, single submitter. Criteria: ACMG Guidelines, 2015. Collection method: research. Allele origin: germline. Inheritance: Autosomal dominant inheritance. Affected: yes. Observed: 6 variant alleles, 6 heterozygotes. Clinical features observed: Branchial cyst (HP:0009796), Preauricular pit (HP:0004467), Hearing impairment (HP:0000365), Enlarged vestibular aqueduct syndrome (HP:0011387), Renal hypoplasia/aplasia (HP:0008678).
Comment: PVS1: The variant introduces a premature stop codon leading to a truncated EYA1 protein lacking the critical C-terminal EYA domain, predicting loss-of-function via nonsense-mediated decay. PM2: The variant is absent from large population databases. PP1: The variant co-segregates with the BOS/BORS phenotype in a four-generation Chinese family.

Literature cited by the submitters: PubMed 10710918.

NM_000503.6(EYA1):c.449del (p.Gly150fs)

Gene: EYA1 (EYA transcriptional coactivator and phosphatase 1; minus strand). Cytogenetic location: 8q13.3.
Variant type: Deletion.
Coding change: c.449del on transcript NM_000503.6 (MANE Select); coding-DNA position 449, one base deleted (G; older notation c.449delG).
Protein change: p.Gly150fs; shifts the reading frame from glycine 150.
Molecular consequence: frameshift variant.
Genome position (GRCh38, 1-based): chr8:71,317,659, C deleted on the plus strand (G on the coding strand, the reverse complement: EYA1 is on the minus strand); the first of 2 consecutive C bases (chr8:71,317,659-71,317,660); deleting either gives the same sequence. VCF-style (leftmost placement, unchanged base first): chr8-71317658-AC-A. GRCh37 (hg19) VCF-style: chr8-72229893-AC-A.
Other names: c.431del, p.Gly144fs (NM_001288574.2); c.83del, p.Gly28fs (NM_001288575.2); c.536del, p.Gly179fs (NM_001370333.1); c.449del, p.Gly150fs (NM_001370334.1, NM_001370335.1, NM_172058.4); c.518del, p.Gly173fs (NM_001370336.1); c.350del, p.Gly117fs (NM_001411797.1, NM_172060.4); c.521del, p.Gly174fs (NM_172059.5); c.449delG (NM_000503.6); short protein forms G117fs, G144fs, G150fs, G173fs, G174fs, G179fs, G28fs.
Identifiers: ClinVar variation 4879196 (VCV004879196.1).